The following is an entry in ClinVar:

NM_004260.4(RECQL4):c.2756-23_2756-16del

Gene: RECQL4 (RecQ like helicase 4; minus strand). Cytogenetic location: 8q24.3.
Variant type: Deletion.
Coding change: c.2756-23_2756-16del on transcript NM_004260.4 (MANE Select); 23 bases into the intron before coding-DNA position 2756 through 16 bases into the intron before coding-DNA position 2756, 8 bases deleted (GCTGAGCC; older notation c.2756-23_2756-16delGCTGAGCC).
Molecular consequence: intron variant. On other transcripts: frameshift variant (3).
Genome position (GRCh38, 1-based): chr8:144,512,787-144,512,794, GGCTCAGC deleted on the plus strand (GCTGAGCC on the coding strand, the reverse complement: RECQL4 is on the minus strand); deleting any 8 consecutive bases within chr8:144,512,787-144,512,796 gives the same sequence; the c. name uses the placement nearest the transcript's 3' end. VCF-style (leftmost placement, unchanged base first): chr8-144512786-GGGCTCAGC-G. GRCh37 (hg19) VCF-style: chr8-145738169-GGGCTCAGC-G.
Other names: c.2806_2813delCCGCTGAG, p.Leu937Cysfs (NM_001413019.1); c.1735_1742delCCGCTGAG, p.Leu580Cysfs (NM_001413023.1); c.1669_1676delCCGCTGAG, p.Leu558Cysfs (NM_001413041.1).
Identifiers: ClinVar variation 1965169 (VCV001965169.5), dbSNP rs2537994742, ClinGen allele CA2580078834.

ClinVar aggregate classification (germline): Uncertain significance (1 of 4 stars; one submission).

Conditions:
Baller-Gerold syndrome (BGS). Also called: CRANIOSYNOSTOSIS WITH RADIAL DEFECTS. Identifiers: Orphanet 1225, MedGen C0265308, MONDO:0009039, OMIM 218600.

Submission:

Labcorp Genetics (formerly Invitae), Labcorp
Classification: Uncertain significance for Baller-Gerold syndrome. Last evaluated: 2025-01-06. Review status: criteria provided, single submitter. Criteria: Invitae Variant Classification Sherloc (09022015). Collection method: clinical testing. Allele origin: germline.
Comment: This sequence change falls in intron 15 of the RECQL4 gene. It does not directly change the encoded amino acid sequence of the RECQL4 protein. This variant is not present in population databases (gnomAD no frequency). This variant has not been reported in the literature in individuals affected with RECQL4-related conditions. ClinVar contains an entry for this variant (Variation ID: 1965169). Algorithms developed to predict the effect of sequence changes on RNA splicing suggest that this variant may disrupt the consensus splice site. In summary, the available evidence is currently insufficient to determine the role of this variant in disease. Therefore, it has been classified as a Variant of Uncertain Significance.